The following is an entry in ClinVar:

ClinVar aggregate classification (germline): Uncertain significance (1 of 4 stars; one submission).

Conditions:
Charcot-Marie-Tooth disease dominant intermediate B (CMTDIB). Also called: Charcot-Marie-Tooth disease dominant intermediate 1; CMT DI1; Charcot-Marie-Tooth disease dominant intermediate I; CHARCOT-MARIE-TOOTH NEUROPATHY, DOMINANT INTERMEDIATE B. Identifiers: Orphanet 100044, Orphanet 228179, MedGen C1847902, MONDO:0011674, OMIM 606482.

Submission:

Labcorp Genetics (formerly Invitae), Labcorp
Classification: Uncertain significance for Charcot-Marie-Tooth disease dominant intermediate B. Last evaluated: 2020-07-03. Review status: criteria provided, single submitter. Criteria: Invitae Variant Classification Sherloc (09022015). Collection method: clinical testing. Allele origin: germline.
Comment: This variant has not been reported in the literature in individuals with DNM2-related conditions. In summary, the available evidence is currently insufficient to determine the role of this variant in disease. Therefore, it has been classified as a Variant of Uncertain Significance. Algorithms developed to predict the effect of missense changes on protein structure and function (SIFT, PolyPhen-2, Align-GVGD) all suggest that this variant is likely to be tolerated, but these predictions have not been confirmed by published functional studies and their clinical significance is uncertain. This variant is not present in population databases (ExAC no frequency). This sequence change replaces aspartic acid with glutamic acid at codon 30 of the DNM2 protein (p.Asp30Glu). The aspartic acid residue is highly conserved and there is a small physicochemical difference between aspartic acid and glutamic acid.

NM_001005361.3(DNM2):c.90C>G (p.Asp30Glu)

Genes: DNM2 (dynamin 2; plus strand), LOC130063529 (ATAC-STARR-seq lymphoblastoid silent region 10090; plus strand). Cytogenetic location: 19p13.2.
Variant type: single nucleotide variant.
Coding change: c.90C>G on transcript NM_001005361.3 (MANE Select); coding-DNA position 90, C replaced by G.
Protein change: p.Asp30Glu; replaces aspartic acid 30 with glutamic acid.
Molecular consequence: missense variant.
Genome position (GRCh38, 1-based): chr19:10,718,332, C>G. VCF-style: chr19-10718332-C-G. GRCh37 (hg19) VCF-style: chr19-10829008-C-G.
Other names: c.90C>G, p.Asp30Glu (NM_001005360.3, NM_001005362.3, NM_001190716.2 and 1 more transcripts); short protein forms D30E.
Identifiers: ClinVar variation 1006755 (VCV001006755.9), dbSNP rs759919549, ClinGen allele CA404046643.
Genomic context (GRCh38, chr19:10,718,332, plus strand): 5'-CCCGCTGGTCAACAAACTGCAGGACGCCTTCAGCTCCATCGGCCAGAGCTGCCACCTGGA[C>G]CTGCCGCAGATCGCTGTAGTGGGCGGCCAGAGCGCCGGCAAGAGCTCGGTGCTGGAGAAC-3'
Protein context (NP_001005361.1, residues 20-40): FSSIGQSCHL[Asp30Glu]LPQIAVVGGQ